The following is an entry in ClinVar:

ClinVar aggregate classification (germline): Uncertain significance (1 of 4 stars; one submission).

Conditions:
Primary ciliary dyskinesia. Also called: Ciliary dyskinesia. Identifiers: Orphanet 244, MedGen C0008780, MONDO:0016575, HP:0012265.

Allele frequency attached by ClinVar (database versions not stated): TOPMed below 0.00001; gnomAD exomes 0.00001 and 0.00002; ExAC 0.00002.
gnomAD v4.1: 34 of 1,614,176 alleles (0.0021%); highest among the groups gnomAD compares: Non-Finnish European, 0.0028%; no homozygotes.

Submission:

Labcorp Genetics (formerly Invitae), Labcorp
Classification: Uncertain significance for Primary ciliary dyskinesia. Last evaluated: 2021-08-02. Review status: criteria provided, single submitter. Criteria: Invitae Variant Classification Sherloc (09022015). Collection method: clinical testing. Allele origin: germline.
Comment: This sequence change replaces leucine with glutamine at codon 167 of the CCDC103 protein (p.Leu167Gln). The leucine residue is highly conserved and there is a moderate physicochemical difference between leucine and glutamine. This variant is present in population databases (rs764358359, ExAC 0.003%). This missense change has been observed in individual(s) with clinical features of CCDC103-related conditions (Invitae). In at least one individual the data is consistent with the variant being in trans (on the opposite chromosome) from a pathogenic variant. ClinVar contains an entry for this variant (Variation ID: 1016691). Algorithms developed to predict the effect of missense changes on protein structure and function are either unavailable or do not agree on the potential impact of this missense change (SIFT: "Deleterious"; PolyPhen-2: "Probably Damaging"; Align-GVGD: "Class C0"). In summary, the available evidence is currently insufficient to determine the role of this variant in disease. Therefore, it has been classified as a Variant of Uncertain Significance.

NM_213607.3(DNAAF19):c.500T>A (p.Leu167Gln)

Gene: DNAAF19 (dynein axonemal assembly factor 19; plus strand). Cytogenetic location: 17q21.31.
Variant type: single nucleotide variant.
Coding change: c.500T>A on transcript NM_213607.3 (MANE Select); coding-DNA position 500, T replaced by A.
Protein change: p.Leu167Gln; replaces leucine 167 with glutamine.
Molecular consequence: missense variant. On other transcripts: 3 prime UTR variant (3).
Genome position (GRCh38, 1-based): chr17:44,902,588, T>A. VCF-style: chr17-44902588-T-A. GRCh37 (hg19) VCF-style: chr17-42979956-T-A.
Other names: c.500T>A, p.Leu167Gln (NM_001258395.2, NM_001258396.2); c.*250T>A (NM_001258397.3); c.*189T>A (NM_001258398.3, NM_001258399.2); short protein forms L167Q.
Identifiers: ClinVar variation 1016691 (VCV001016691.6), dbSNP rs764358359, ClinGen allele CA8608389.